The following is an entry in ClinVar:

NM_004360.5(CDH1):c.2295+166C>T

Gene: CDH1 (cadherin 1; plus strand). Cytogenetic location: 16q22.1.
Variant type: single nucleotide variant.
Coding change: c.2295+166C>T on transcript NM_004360.5 (MANE Select); 166 bases into the intron after coding-DNA position 2295, C replaced by T.
Molecular consequence: intron variant.
Genome position (GRCh38, 1-based): chr16:68,828,470, C>T. VCF-style: chr16-68828470-C-T. GRCh37 (hg19) VCF-style: chr16-68862373-C-T.
Other names: c.747+166C>T (NM_001317185.2); c.330+166C>T (NM_001317186.2); c.2112+166C>T (NM_001317184.2).
Identifiers: ClinVar variation 223655 (VCV000223655.5), dbSNP rs143044978, ClinGen allele CA277552.
Genomic context (GRCh38, chr16:68,828,470, plus strand): 5'-TTATCTTTTTAAGGCCTTACCCAAGAAAGTAGACATTGTCATTGACCATCATCATCATCA[C>T]ATCATCACCAACACAGCTAACATTTATTGATCGCATACTGTTCTGCACCTCAGTGAGCGA-3'

ClinVar aggregate classification (germline): Benign. Review status: reviewed by expert panel (3 of 4 stars). 3 submissions from 3 submitters: Benign (1). 2 of the submissions do not count toward it. Last evaluated 2023-08-08.

Conditions:
Hereditary cancer-predisposing syndrome. Also called: Tumor predisposition; Hereditary neoplastic syndrome; Neoplastic Syndromes, Hereditary; Hereditary Cancer Syndrome. Identifiers: Orphanet 140162, MedGen C0027672, MeSH D009386, MONDO:0015356.
CDH1-related diffuse gastric and lobular breast cancer syndrome. Also called: CDH1-related diffuse gastric and lobular breast cancer. Identifiers: MedGen CN311521, MONDO:0100488.

Allele frequency attached by ClinVar (database versions not stated): 1000 Genomes Project 30x 0.00250; 1000 Genomes Project 0.00300; TOPMed 0.00787; gnomAD 0.00795 and 0.00799.
gnomAD v4.1: 1,198 of 152,298 alleles (0.79%); highest among the groups gnomAD compares: Non-Finnish European, 1.2%; 9 homozygotes.

Submissions (3):

Clingen Gastric Cancer Variant Curation Expert Panel
Classification: Benign for CDH1-related diffuse gastric and lobular breast cancer syndrome. Last evaluated: 2023-08-08. Review status: reviewed by expert panel. Criteria: ClinGen CDH1 ACMG Specifications V3.1. Collection method: curation. Allele origin: germline. Inheritance: Autosomal dominant inheritance.
Comment: The c.2295+166C>T variant has an allele frequency of 0.00653 (205 in 31,398) in gnomAD, with a maximum subpopulation frequency of 0.00966 (149 in 15,424) in European (Non-Finnish) subpopulation (BA1). To our knowledge, this variant has not been reported in the literature. In summary, this variant meets criteria to be classified as benign based on ACMG/AMP criteria applied as specified by the CDH1 Variant Curation Expert Panel (Variant Interpretation Guidelines Version 3.1): BA1.

Breakthrough Genomics
Classification: Benign. Review status: criteria provided, single submitter. Criteria: ACMG Guidelines, 2015. Collection method: not provided. Allele origin: germline. Inheritance: Autosomal dominant inheritance. Affected: yes. Not counted in ClinVar's aggregate classification.

University of Washington Department of Laboratory Medicine, University of Washington
Classification: Likely benign for Hereditary cancer-predisposing syndrome. Last evaluated: 2015-12-01. Review status: no assertion criteria provided. Collection method: clinical testing. Allele origin: germline. Affected: yes. Not counted in ClinVar's aggregate classification.